The following is an entry in ClinVar:

NM_006231.4(POLE):c.839A>G (p.Lys280Arg)

Gene: POLE (DNA polymerase epsilon, catalytic subunit; minus strand). Cytogenetic location: 12q24.33.
Variant type: single nucleotide variant.
Coding change: c.839A>G on transcript NM_006231.4 (MANE Select); coding-DNA position 839, A replaced by G.
Protein change: p.Lys280Arg; replaces lysine 280 with arginine.
Molecular consequence: missense variant.
Genome position (GRCh38, 1-based): chr12:132,676,616, T>C on the plus strand (A>G on the coding strand, the complement: POLE is on the minus strand). VCF-style: chr12-132676616-T-C. GRCh37 (hg19) VCF-style: chr12-133253202-T-C.
Other names: c.839A>G (NM_006231.2); short protein forms K280R.
Identifiers: ClinVar variation 1502854 (VCV001502854.9), dbSNP rs143690372, ClinGen allele CA246299122.

ClinVar aggregate classification (germline): Uncertain significance. Review status: criteria provided, multiple submitters, no conflicts (2 of 4 stars). 2 submissions from 2 submitters: Uncertain significance (2). Last evaluated 2026-05-22.

Conditions:
Hereditary cancer-predisposing syndrome. Also called: Tumor predisposition; Neoplastic Syndromes, Hereditary; Hereditary Cancer Syndrome; Hereditary neoplastic syndrome. Identifiers: Orphanet 140162, MedGen C0027672, MeSH D009386, MONDO:0015356.

Allele frequency attached by ClinVar (database versions not stated): ESP Exome Variant Server 0.00008.

Submissions (2):

Ambry Genetics
Classification: Uncertain significance for Hereditary cancer-predisposing syndrome. Last evaluated: 2026-05-22. Review status: criteria provided, single submitter. Criteria: Ambry Variant Classification Scheme 2023. Collection method: clinical testing. Allele origin: germline.
Comment: The p.K280R variant (also known as c.839A>G), located in coding exon 9 of the POLE gene, results from an A to G substitution at nucleotide position 839. The lysine at codon 280 is replaced by arginine, an amino acid with highly similar properties. This amino acid position is highly conserved in available vertebrate species. In addition, this alteration is predicted to be deleterious by in silico analysis. Based on the available evidence, the clinical significance of this variant remains unclear.

Labcorp Genetics (formerly Invitae), Labcorp
Classification: Uncertain significance. Last evaluated: 2023-03-20. Review status: criteria provided, single submitter. Criteria: Invitae Variant Classification Sherloc (09022015). Collection method: clinical testing. Allele origin: germline.
Comment: This sequence change replaces lysine, which is basic and polar, with arginine, which is basic and polar, at codon 280 of the POLE protein (p.Lys280Arg). This variant is not present in population databases (gnomAD no frequency). In summary, the available evidence is currently insufficient to determine the role of this variant in disease. Therefore, it has been classified as a Variant of Uncertain Significance. Advanced modeling of protein sequence and biophysical properties (such as structural, functional, and spatial information, amino acid conservation, physicochemical variation, residue mobility, and thermodynamic stability) performed at Invitae indicates that this missense variant is expected to disrupt POLE protein function. ClinVar contains an entry for this variant (Variation ID: 1502854). This variant has not been reported in the literature in individuals affected with POLE-related conditions.